The following is an entry in ClinVar:

NM_001287491.2(TET3):c.2617G>A (p.Glu873Lys)

Gene: TET3 (tet methylcytosine dioxygenase 3; plus strand). Cytogenetic location: 2p13.1.
Variant type: single nucleotide variant.
Coding change: c.2617G>A on transcript NM_001287491.2 (MANE Select); coding-DNA position 2617, G replaced by A.
Protein change: p.Glu873Lys; replaces glutamic acid 873 with lysine.
Molecular consequence: missense variant.
Genome position (GRCh38, 1-based): chr2:74,080,529, G>A. VCF-style: chr2-74080529-G-A. GRCh37 (hg19) VCF-style: chr2-74307656-G-A.
Other names: c.2617G>A (NM_001287491.1); c.2338G>A, p.Glu780Lys (NM_001366022.1); short protein forms E780K, E873K.
Identifiers: ClinVar variation 1285496 (VCV001285496.4), dbSNP rs2103992882, ClinGen allele CA347309023.

ClinVar aggregate classification (germline): Uncertain significance. Review status: criteria provided, multiple submitters, no conflicts (2 of 4 stars). 2 submissions from 2 submitters: Uncertain significance (2). Last evaluated 2026-07-20.

Conditions:
Beck-Fahrner syndrome (BEFAHRS). Identifiers: Orphanet 684216, MedGen C5394097, MONDO:0032922, OMIM 618798.

Submissions (2):

GeneDx
Classification: Uncertain significance. Last evaluated: 2026-07-20. Review status: criteria provided, single submitter. Criteria: GeneDx Variant Classification Process June 2021. Collection method: clinical testing. Allele origin: germline.
Comment: Not observed at significant frequency in large population cohorts (gnomAD); In silico analysis supports that this missense variant has a deleterious effect on protein structure/function; Has not been previously published as pathogenic or benign to our knowledge

Institute of Human Genetics, University of Leipzig Medical Center
Classification: Uncertain significance for Beck-Fahrner syndrome. Last evaluated: 2021-01-12. Review status: criteria provided, single submitter. Criteria: ACMG Guidelines, 2015. Collection method: clinical testing. Allele origin: unknown. Inheritance: Autosomal dominant inheritance. Affected: yes.
Comment: PM2_SUP, PP3